The following is an entry in ClinVar:

NM_033004.4(NLRP1):c.2915G>A (p.Arg972Lys)

Gene: NLRP1 (NLR family pyrin domain containing 1; minus strand). Cytogenetic location: 17p13.2.
Variant type: single nucleotide variant.
Coding change: c.2915G>A on transcript NM_033004.4 (MANE Select); coding-DNA position 2915, G replaced by A.
Protein change: p.Arg972Lys; replaces arginine 972 with lysine.
Molecular consequence: missense variant. On other transcripts: intron variant (2).
Genome position (GRCh38, 1-based): chr17:5,536,896, C>T on the plus strand (G>A on the coding strand, the complement: NLRP1 is on the minus strand). VCF-style: chr17-5536896-C-T. GRCh37 (hg19) VCF-style: chr17-5440216-C-T.
Other names: c.2915G>A, p.Arg972Lys (NM_001033053.3, NM_014922.5); c.2870+2519G>A (NM_033007.4, NM_033006.4); short protein forms R972K.
Identifiers: ClinVar variation 4774732 (VCV004774732.1).

ClinVar aggregate classification (germline): Uncertain significance (1 of 4 stars; one submission).

Submission:

Labcorp Genetics (formerly Invitae), Labcorp
Classification: Uncertain significance. Last evaluated: 2025-06-14. Review status: criteria provided, single submitter. Criteria: Invitae Variant Classification Sherloc (09022015). Collection method: clinical testing. Allele origin: germline.
Comment: This sequence change replaces arginine, which is basic and polar, with lysine, which is basic and polar, at codon 972 of the NLRP1 protein (p.Arg972Lys). This variant is not present in population databases (gnomAD no frequency). This variant has not been reported in the literature in individuals affected with NLRP1-related conditions. An algorithm developed to predict the effect of missense changes on protein structure and function outputs the following: PolyPhen-2: "Benign". The lysine amino acid residue is found in multiple mammalian species, which suggests that this missense change does not adversely affect protein function. In summary, the available evidence is currently insufficient to determine the role of this variant in disease. Therefore, it has been classified as a Variant of Uncertain Significance.